The following is an entry in ClinVar:

ClinVar aggregate classification (germline): Uncertain significance (1 of 4 stars; one submission).

Submission:

Labcorp Genetics (formerly Invitae), Labcorp
Classification: Uncertain significance. Last evaluated: 2024-05-20. Review status: criteria provided, single submitter. Criteria: Invitae Variant Classification Sherloc (09022015). Collection method: clinical testing. Allele origin: germline.
Comment: This sequence change replaces isoleucine, which is neutral and non-polar, with methionine, which is neutral and non-polar, at codon 815 of the POLR1A protein (p.Ile815Met). This variant is not present in population databases (gnomAD no frequency). This variant has not been reported in the literature in individuals affected with POLR1A-related conditions. Advanced modeling of protein sequence and biophysical properties (such as structural, functional, and spatial information, amino acid conservation, physicochemical variation, residue mobility, and thermodynamic stability) performed at Invitae indicates that this missense variant is expected to disrupt POLR1A protein function with a positive predictive value of 80%. In summary, the available evidence is currently insufficient to determine the role of this variant in disease. Therefore, it has been classified as a Variant of Uncertain Significance.

NM_015425.6(POLR1A):c.2445C>G (p.Ile815Met)

Gene: POLR1A (RNA polymerase I subunit A; minus strand). Cytogenetic location: 2p11.2.
Variant type: single nucleotide variant.
Coding change: c.2445C>G on transcript NM_015425.6 (MANE Select); coding-DNA position 2445, C replaced by G.
Protein change: p.Ile815Met; replaces isoleucine 815 with methionine.
Molecular consequence: missense variant.
Genome position (GRCh38, 1-based): chr2:86,049,190, G>C on the plus strand (C>G on the coding strand, the complement: POLR1A is on the minus strand). VCF-style: chr2-86049190-G-C. GRCh37 (hg19) VCF-style: chr2-86276313-G-C.
Other names: short protein forms I815M.
Identifiers: ClinVar variation 3653919 (VCV003653919.2).